The following is an entry in ClinVar:

ClinVar aggregate classification (germline): Likely benign (0 of 4 stars; one submission).

Conditions:
PTPRS-related disorder. Also called: PTPRS-related condition.

gnomAD v4.1: 1 of 1,612,358 alleles (0.000062%); highest among the groups gnomAD compares: Admixed American, 0.0017%; no homozygotes.

Submission:

PreventionGenetics, part of Exact Sciences
Classification: Likely benign for PTPRS-related condition. Last evaluated: 2023-06-02. Review status: no assertion criteria provided. Collection method: clinical testing. Allele origin: germline.
Comment: This variant is classified as likely benign based on ACMG/AMP sequence variant interpretation guidelines (Richards et al. 2015 PMID: 25741868, with internal and published modifications).

NM_002850.4(PTPRS):c.1233G>C (p.Gly411=)

Gene: PTPRS (protein tyrosine phosphatase receptor type S; minus strand). Cytogenetic location: 19p13.3.
Variant type: single nucleotide variant.
Coding change: c.1233G>C on transcript NM_002850.4 (MANE Select); coding-DNA position 1233, G replaced by C.
Protein change: p.Gly411=; no amino-acid change (glycine 411 retained).
Molecular consequence: synonymous variant.
Genome position (GRCh38, 1-based): chr19:5,244,238, C>G on the plus strand (G>C on the coding strand, the complement: PTPRS is on the minus strand). VCF-style: chr19-5244238-C-G. GRCh37 (hg19) VCF-style: chr19-5244249-C-G.
Other names: c.1194G>C, p.Gly398= (NM_001394011.1, NM_001394012.1, NM_001394013.1 and 2 more transcripts); c.1206G>C, p.Gly402= (NM_130855.3).
Identifiers: ClinVar variation 3029277 (VCV003029277.2), dbSNP rs554998589, ClinGen allele CA505177731.